The following is an entry in ClinVar:

NM_000489.6(ATRX):c.2500G>A (p.Ala834Thr)

Gene: ATRX (ATRX chromatin remodeler; minus strand). Cytogenetic location: Xq21.1.
Variant type: single nucleotide variant.
Coding change: c.2500G>A on transcript NM_000489.6 (MANE Select); coding-DNA position 2500, G replaced by A.
Protein change: p.Ala834Thr; replaces alanine 834 with threonine.
Molecular consequence: missense variant.
Genome position (GRCh38, 1-based): chrX:77,682,756, C>T on the plus strand (G>A on the coding strand, the complement: ATRX is on the minus strand). VCF-style: chrX-77682756-C-T. GRCh37 (hg19) VCF-style: chrX-76938248-C-T.
Other names: c.2386G>A, p.Ala796Thr (NM_138270.5); short protein forms A796T, A834T.
Identifiers: ClinVar variation 4999295 (VCV004999295.1).

ClinVar aggregate classification (germline): Uncertain significance (1 of 4 stars; one submission).

Conditions:
ATRX-related disorder. Also called: ATRX-related condition.

gnomAD v4.1: 1 of 1,210,473 alleles (0.000083%); highest among the groups gnomAD compares: Admixed American, 0.0022%; no homozygotes.

Submission:

PreventionGenetics, part of Exact Sciences
Classification: Uncertain significance for ATRX-related condition. Last evaluated: 2026-06-12. Review status: criteria provided, single submitter. Criteria: ACMG Guidelines, 2015. Collection method: clinical testing. Allele origin: germline.
Comment: The ATRX c.2500G>A variant is predicted to result in the amino acid substitution p.Ala834Thr. To our knowledge, this variant has not been reported in the literature or in a large population database (gnomAD), indicating this variant is rare. At this time, the clinical significance of this variant is uncertain due to the absence of conclusive functional and genetic evidence.